The following is an entry in ClinVar:

ClinVar aggregate classification (germline): Likely pathogenic (1 of 4 stars; one submission).

Conditions:
Long QT syndrome 1 (LQT1). Identifiers: Orphanet 101016, Orphanet 768, MedGen C4551647, MONDO:0100316, OMIM 192500, MONDO:0008646.

Submission:

Victorian Clinical Genetics Services, Murdoch Childrens Research Institute
Classification: Likely pathogenic for Long QT syndrome 1. Last evaluated: 2022-02-02. Review status: criteria provided, single submitter. Criteria: ACMG Guidelines, 2015. Collection method: clinical testing. Allele origin: germline. Inheritance: Autosomal dominant inheritance. Affected: yes.
Comment: Based on the classification scheme VCGS_Germline_v1.3.4, this variant is classified as Likely pathogenic. Following criteria are met: 0103 - Dominant negative, loss of function and gain of function are known mechanisms of disease in this gene. Gain of function variants result exclusively in short QT syndrome (MIM#609621), while dominant negative and loss of function variants can cause long QT syndrome (LQTS, MIM#192500), atrial fibrillation (MIM#607554) and Jervell and Lange-Nielsen syndrome (JLNS, MIM#220400) (OMIM, PMIDs: 19632626, 28438721). (I) 0108 - This gene is known to be associated with both recessive and dominant disease. JLNS is characterized by congenital, bilateral deafness and variable degrees of QT prolongation, and is the only condition caused by biallelic variants (PMID: 28438721). (I) 0112 - The condition associated with this gene has incomplete penetrance (OMIM, PMID: 20301308). (I) 0211 - Canonical splice site variant without proven consequence on splicing (no functional evidence available). (SP) 0251 - This variant is heterozygous. (I) 0301 - Variant is absent from gnomAD (both v2 and v3). (SP) 0311 - An alternative nucleotide change at the same canonical splice site, is present in gnomAD (v2) at a frequency of 0.000009 (1 heterozygote, 0 homozygotes). (SB) 0505 - Abnormal splicing is predicted by in silico tools and affected nucleotide is highly conserved. (SP) 0703 - Other canonical splice site variants comparable to the one identified in this case have moderate previous evidence for pathogenicity. Two other canonical splice site variants at this position (c.1033-2A>G and c.1033-2A>C) have been reported as pathogenic (ClinVar, PMID: 16754261). (SP) 0807 - This variant has no previous evidence of pathogenicity. (I) 0905 - No published segregation evidence has been identified for this variant. (I) 1007 - No published functional evidence has been identified for this variant. (I) 1208 - Inheritance information for this variant is not currently available in this individual. (I) Legend: (SP) - Supporting pathogenic, (I) - Information, (SB) - Supporting benign

Literature cited by the submitters: PubMed 16754261; PubMed 19632626; PubMed 20301308; PubMed 28438721.

NM_000218.3(KCNQ1):c.1033-2del

Gene: KCNQ1 (potassium voltage-gated channel subfamily Q member 1; plus strand). Cytogenetic location: 11p15.5.
Variant type: Deletion.
Coding change: c.1033-2del on transcript NM_000218.3 (MANE Select); the canonical splice acceptor site of the intron before coding-DNA position 1033, one base deleted (A; older notation c.1033-2delA).
Molecular consequence: splice acceptor variant. On other transcripts: intron variant (2).
Genome position (GRCh38, 1-based): chr11:2,585,210, A deleted. VCF-style (leftmost placement, unchanged base first): chr11-2585209-CA-C. GRCh37 (hg19) VCF-style: chr11-2606439-CA-C.
Other names: c.763-2del (NM_001406837.1); c.1032+1665del (NM_001406836.1); c.588+1665del (NM_001406838.1); c.652-2del (NM_181798.2).
Identifiers: ClinVar variation 3376665 (VCV003376665.1).